The following is an entry in ClinVar:

NM_004035.7(ACOX1):c.1584+10_1584+11del

Gene: ACOX1 (acyl-CoA oxidase 1; minus strand). Cytogenetic location: 17q25.1.
Variant type: Deletion.
Coding change: c.1584+10_1584+11del on transcript NM_004035.7 (MANE Select); bases 10 to 11 of the intron after coding-DNA position 1584, 2 bases deleted (AG; older notation c.1584+10_1584+11delAG).
Molecular consequence: intron variant.
Genome position (GRCh38, 1-based): chr17:75,949,484-75,949,485, CT deleted on the plus strand (AG on the coding strand, the reverse complement: ACOX1 is on the minus strand). VCF-style (leftmost placement, unchanged base first): chr17-75949483-ACT-A. GRCh37 (hg19) VCF-style: chr17-73945564-ACT-A.
Other names: c.1584+10_1584+11del (NM_007292.6); c.1470+10_1470+11del (NM_001185039.2); c.1584+10_1584+11delAG (NM_004035.7).
Identifiers: ClinVar variation 3233861 (VCV003233861.2), dbSNP rs2546074797, ClinGen allele CA2825002665.

ClinVar aggregate classification (germline): Likely benign (1 of 4 stars; one submission).

Submission:

Women's Health and Genetics/Laboratory Corporation of America, LabCorp
Classification: Likely benign. Last evaluated: 2024-03-20. Review status: criteria provided, single submitter. Criteria: LabCorp Variant Classification Summary - May 2015. Collection method: clinical testing. Allele origin: germline.
Comment: Variant summary: ACOX1 c.1584+10_1584+11delAG alters a non-conserved nucleotide located at a position not widely known to affect splicing. Consensus agreement among computation tools predict no significant impact on normal splicing. However, these predictions have yet to be confirmed by functional studies. The variant was absent in 251434 control chromosomes (gnomAD). The available data on variant occurrences in the general population are insufficient to allow any conclusion about variant significance. To our knowledge, no occurrence of c.1584+10_1584+11delAG in individuals affected with Pseudoneonatal Adrenoleukodystrophy and no experimental evidence demonstrating its impact on protein function have been reported. No submitters have cited clinical-significance assessments for this variant to ClinVar. Based on the evidence outlined above, the variant was classified as likely benign.